The following is an entry in ClinVar:

ClinVar aggregate classification (germline): Uncertain significance. Review status: criteria provided, multiple submitters, no conflicts (2 of 4 stars). 2 submissions from 2 submitters: Uncertain significance (2). Last evaluated 2025-07-31.

Conditions:
Trigonocephaly 2 (TRIGNO2). Identifiers: Orphanet 3366, MedGen C3280974, MONDO:0013774, OMIM 614485.
Oculotrichoanal syndrome (MOTA). Also called: MARLES SYNDROME; Manitoba Oculotrichoanal (MOTA) Syndrome. Identifiers: Orphanet 2717, MedGen C1855425, MONDO:0009560, OMIM 248450.
BNAR syndrome. Also called: Bifid Nose With or Without Anorectal and Renal Anomalies (BNAR) Syndrome. Identifiers: Orphanet 217266, MedGen C2750433, MONDO:0012165, OMIM 608980.
FREM1-related disorder. Also called: FREM1-related condition; FREM1-Related Disorders.

Submissions (2):

PreventionGenetics, part of Exact Sciences
Classification: Uncertain significance for FREM1-related condition. Last evaluated: 2025-07-31. Review status: criteria provided, single submitter. Criteria: ACMG Guidelines, 2015. Collection method: clinical testing. Allele origin: germline.
Comment: The FREM1 c.284G>A variant is predicted to result in the amino acid substitution p.Gly95Asp. To our knowledge, this variant has not been reported in the literature or in a large population database (gnomAD), indicating this variant is rare. Although we suspect that this variant may be pathogenic, at this time, the clinical significance of this variant is uncertain due to the absence of conclusive functional and genetic evidence.

Fulgent Genetics
Classification: Uncertain significance for Oculotrichoanal syndrome; BNAR syndrome; Trigonocephaly 2. Last evaluated: 2024-04-12. Review status: criteria provided, single submitter. Criteria: ACMG Guidelines, 2015. Collection method: clinical testing. Allele origin: germline.

NM_001379081.2(FREM1):c.284G>A (p.Gly95Asp)

Gene: FREM1 (FRAS1 related extracellular matrix 1; minus strand). Cytogenetic location: 9p22.3.
Variant type: single nucleotide variant.
Coding change: c.284G>A on transcript NM_001379081.2 (MANE Select); coding-DNA position 284, G replaced by A.
Protein change: p.Gly95Asp; replaces glycine 95 with aspartic acid.
Molecular consequence: missense variant. On other transcripts: non-coding transcript variant (4).
Genome position (GRCh38, 1-based): chr9:14,863,854, C>T on the plus strand (G>A on the coding strand, the complement: FREM1 is on the minus strand). VCF-style: chr9-14863854-C-T. GRCh37 (hg19) VCF-style: chr9-14863852-C-T.
Other names: c.284G>A (NM_144966.5); c.284G>A, p.Gly95Asp (NM_001370060.1, NM_001370063.1, NM_001370065.1 and 1 more transcripts); short protein forms G95D.
Identifiers: ClinVar variation 3597217 (VCV003597217.2).